The following is an entry in ClinVar:

NM_000540.3(RYR1):c.14510del (p.Gln4837fs)

Gene: RYR1 (ryanodine receptor 1; plus strand). Cytogenetic location: 19q13.2.
Variant type: Deletion.
Coding change: c.14510del on transcript NM_000540.3 (MANE Select); coding-DNA position 14510, one base deleted (A; older notation c.14510delA).
Protein change: p.Gln4837fs; shifts the reading frame from glutamine 4837.
Molecular consequence: frameshift variant.
Genome position (GRCh38, 1-based): chr19:38,580,127, A deleted. VCF-style (leftmost placement, unchanged base first): chr19-38580126-CA-C. GRCh37 (hg19) VCF-style: chr19-39070766-CA-C.
Other names: NM_000540.2(RYR1):c.14510del; p.Gln4837fs; c.14495del, p.Gln4832fs (NM_001042723.2); c.14510delA (NM_000540.2); short protein forms Q4837fs, Q4832fs.
Identifiers: ClinVar variation 133073 (VCV000133073.3), dbSNP rs193922877, ClinGen allele CA024161.

ClinVar aggregate classification (germline): Likely benign. Review status: reviewed by expert panel (3 of 4 stars). 2 submissions from 2 submitters: Likely benign (1). 1 of the submissions does not count toward it. Last evaluated 2022-03-14.

Conditions:
Malignant hyperthermia of anesthesia. Also called: Anesthesic-triggered malignant hyperthermia. Identifiers: Orphanet 423, MedGen C0024591, MONDO:0018493, HP:0034733.

Submissions (2):

ClinGen Malignant Hyperthermia Susceptibility Variant Curation Expert Panel, ClinGen
Classification: Likely benign for Malignant hyperthermia of anesthesia. Last evaluated: 2022-03-14. Review status: reviewed by expert panel. Criteria: RYR1-MHS Interpretation Guidelines V2. Collection method: curation. Allele origin: germline. Inheritance: Autosomal dominant inheritance.
Comment: This pathogenicity assessment is relevant only for malignant hyperthermia susceptibility (MHS) inherited in an autosomal dominant pattern. Variants in RYR1 can also cause other myopathies inherited in an autosomal dominant pattern or in an autosomal recessive pattern. Some of these disorders may predispose individuals to malignant hyperthermia. RYR1 variants may also contribute to a malignant hyperthermia reaction in combination with other genetic and non-genetic factors and the clinician needs to consider such factors in making management decisions. This frameshift variant, p.Gln4837Argfs*3, predicts the substitution of glutamine with arginine at codon 4837 and a premature stop codon at position 3 of the new reading frame. This variant was not present in a large population database (gnomAD) at the time this variant was interpreted. This variant has been reported in an individual with a personal or family history of an MH episode and a positive in vitro contracture test (IVCT) or caffeine halothane contracture test (CHCT) result (if the proband was unavailable for testing, a positive diagnostic test result in a mutation-positive relative was counted), PS4_Supporting (PMID:17293538). Two relatives of this individual were shown to be heterozygous for the variant and IVCT negative, BS2_Moderate was implemented. Expression of this variant alone in HEK293 cells showed no calcium release upon stimulation with caffeine, when the variant was transfected with wild-type RYR1 the EC50 was comparable to that observed in cells expressing wild-type RYR1 alone, BS3_Supporting was applied (PMID:17293538). Based on using Bayes to combine criteria this variant is assessed as Likely Benign, (PMID: 29300386), (relevant only for malignant hyperthermia susceptibility (MHS) inherited in an autosomal dominant pattern). Criteria implemented: PS4_Supporting, BS2_Moderate, BS3_Supporting.

RYR1 database
No classification provided. Review status: no classification provided. Collection method: not provided. Allele origin: unknown. Not counted in ClinVar's aggregate classification.